The following is an entry in ClinVar:

NM_000531.6(OTC):c.663G>T (p.Lys221Asn)

Gene: OTC (ornithine transcarbamylase; plus strand). Cytogenetic location: Xp11.4.
Variant type: single nucleotide variant.
Coding change: c.663G>T on transcript NM_000531.6 (MANE Select); coding-DNA position 663, G replaced by T.
Protein change: p.Lys221Asn; replaces lysine 221 with asparagine.
Molecular consequence: missense variant.
Genome position (GRCh38, 1-based): chrX:38,403,740, G>T. VCF-style: chrX-38403740-G-T. GRCh37 (hg19) VCF-style: chrX-38262993-G-T.
Other names: c.663G>T, p.Lys221Asn (NM_001407092.1); short protein forms K221N.
Identifiers: ClinVar variation 1804689 (VCV001804689.5), dbSNP rs281865552, ClinGen allele CA412726085.

ClinVar aggregate classification (germline): Pathogenic/Likely pathogenic. Review status: criteria provided, multiple submitters, no conflicts (2 of 4 stars). 2 submissions from 2 submitters: Pathogenic (1); Likely pathogenic (1). Last evaluated 2023-05-13.

Conditions:
Ornithine carbamoyltransferase deficiency (OTCD). Also called: ORNITHINE TRANSCARBAMYLASE DEFICIENCY; ORNITHINE TRANSCARBAMYLASE DEFICIENCY, HYPERAMMONEMIA DUE TO; OTC DEFICIENCY; Ornithine Carbamoyltransferase Deficiency Disease. Identifiers: Orphanet 664, MedGen C0268542, MONDO:0010703, OMIM 311250.

Submissions (3):

Labcorp Genetics (formerly Invitae), Labcorp
Classification: Pathogenic for Ornithine carbamoyltransferase deficiency. Last evaluated: 2023-05-13. Review status: criteria provided, single submitter. Criteria: Invitae Variant Classification Sherloc (09022015). Collection method: clinical testing. Allele origin: germline.
Comment: This sequence change replaces lysine, which is basic and polar, with asparagine, which is neutral and polar, at codon 221 of the OTC protein (p.Lys221Asn). This variant also falls at the last nucleotide of exon 6, which is part of the consensus splice site for this exon. This variant is not present in population databases (gnomAD no frequency). This missense change has been observed in individual(s) with ornithine transcarbamylase deficiency (PMID: 16786505, 17041896; Invitae). ClinVar contains an entry for this variant (Variation ID: 1804689). An algorithm developed to predict the effect of missense changes on protein structure and function (PolyPhen-2) suggests that this variant is likely to be disruptive. Experimental studies have shown that this missense change affects OTC function (PMID: 17041896). Variants that disrupt the consensus splice site are a relatively common cause of aberrant splicing (PMID: 17576681, 9536098). Algorithms developed to predict the effect of sequence changes on RNA splicing suggest that this variant may disrupt the consensus splice site. For these reasons, this variant has been classified as Pathogenic.

Women's Health and Genetics/Laboratory Corporation of America, LabCorp
Classification: Likely pathogenic for Ornithine carbamoyltransferase deficiency. Last evaluated: 2022-11-13. Review status: criteria provided, single submitter. Criteria: LabCorp Variant Classification Summary - May 2015. Collection method: clinical testing. Allele origin: germline.
Comment: Variant summary: OTC c.663G>T (p.Lys221Asn) results in a non-conservative amino acid change located in the Aspartate/ornithine carbamoyltransferase, Asp/Orn-binding domain (IPR006131) of the encoded protein sequence. Four of five in-silico tools predict a damaging effect of the variant on protein function. Several computational tools predict a significant impact on normal splicing: One predicts the variant abolishes the canonical 5' splicing donor site and three predict the variant weakens the same canonical 5' splicing donor site. Two predict the variant creates a new cryptic 3' acceptor site. However, these predictions have yet to be confirmed by functional studies. The variant was absent in 182871 control chromosomes (gnomAD). These data do not allow any conclusion about variant significance. Experimental evidence evaluating the impact of the variant on protein function using COS-1 cells showed that the variant protein had 0% residual activity (Kim_2006). No clinical diagnostic laboratories have submitted clinical-significance assessments for this variant to ClinVar after 2014. Based on the evidence outlined above, the variant was classified as likely pathogenic.

Dr. Peter K. Rogan Lab, Western University
No classification provided (evidence only). Condition: Thyroid cancer, nonmedullary, 1. Review status: no classification provided. Collection method: in vitro. Allele origin: not applicable. Functional consequence: retained intron. Not counted in ClinVar's aggregate classification.

Literature cited by the submitters: PubMed 16786505 (cited by Labcorp Genetics (formerly Invitae), Labcorp); PubMed 17041896 (cited by Labcorp Genetics (formerly Invitae), Labcorp and Women's Health and Genetics/Laboratory Corporation of America, LabCorp); PubMed 17576681 (cited by Labcorp Genetics (formerly Invitae), Labcorp); PubMed 9536098 (cited by Labcorp Genetics (formerly Invitae), Labcorp).